The following is an entry in ClinVar:

NM_001009999.3(KDM1A):c.1889A>G (p.Asn630Ser)

Gene: KDM1A (lysine demethylase 1A; plus strand). Cytogenetic location: 1p36.12.
Variant type: single nucleotide variant.
Coding change: c.1889A>G on transcript NM_001009999.3 (MANE Select); coding-DNA position 1889, A replaced by G.
Protein change: p.Asn630Ser; replaces asparagine 630 with serine.
Molecular consequence: missense variant.
Genome position (GRCh38, 1-based): chr1:23,079,011, A>G. VCF-style: chr1-23079011-A-G. GRCh37 (hg19) VCF-style: chr1-23405504-A-G.
Other names: c.1835A>G, p.Asn612Ser (NM_001363654.2); c.1895A>G, p.Asn632Ser (NM_001410762.1); c.1817A>G, p.Asn606Ser (NM_001410763.1, NM_015013.4); short protein forms N632S, N606S, N612S, N630S.
Identifiers: ClinVar variation 4844712 (VCV004844712.1).

ClinVar aggregate classification (germline): Uncertain significance (1 of 4 stars; one submission).

Conditions:
Inborn genetic diseases. Identifiers: MedGen C0950123, MeSH D030342.

gnomAD v4.1: 1 of 1,614,090 alleles (0.000062%); highest among the groups gnomAD compares: Admixed American, 0.0017%; no homozygotes.

Submission:

Ambry Genetics
Classification: Uncertain significance for Inborn genetic diseases. Last evaluated: 2026-02-22. Review status: criteria provided, single submitter. Criteria: Ambry Variant Classification Scheme 2023. Collection method: clinical testing. Allele origin: germline.
Comment: The p.N630S variant (also known as c.1889A>G), located in coding exon 17 of the KDM1A gene, results from an A to G substitution at nucleotide position 1889. The asparagine at codon 630 is replaced by serine, an amino acid with highly similar properties. This amino acid position is conserved. In addition, the in silico prediction for this alteration is inconclusive. Based on the available evidence, the clinical significance of this variant remains unclear.